The following is an entry in ClinVar:

ClinVar aggregate classification (germline): Pathogenic/Likely pathogenic. Review status: criteria provided, multiple submitters, no conflicts (2 of 4 stars). 2 submissions from 2 submitters: Pathogenic (1); Likely pathogenic (1). Last evaluated 2025-04-04.

Submissions (2):

Quest Diagnostics Nichols Institute San Juan Capistrano
Classification: Likely pathogenic. Last evaluated: 2025-04-04. Review status: criteria provided, single submitter. Criteria: Quest Diagnostics criteria. Collection method: clinical testing. Allele origin: unknown.
Comment: The FH c.1310del (p.Gly437Glufs*12) variant alters the translational reading frame of the FH mRNA and is predicted to cause the premature termination of FH protein synthesis. This variant has not been reported in individuals with FH-related conditions in the published literature. This variant has not been reported in large, multi-ethnic general populations (Genome Aggregation Database). Based on the available information, this variant is classified as likely pathogenic.

Labcorp Genetics (formerly Invitae), Labcorp
Classification: Pathogenic. Last evaluated: 2021-10-02. Review status: criteria provided, single submitter. Criteria: Invitae Variant Classification Sherloc (09022015). Collection method: clinical testing. Allele origin: germline.
Comment: For these reasons, this variant has been classified as Pathogenic. This variant disrupts a region of the FH protein in which other variant(s) (p.Trp500*) have been determined to be pathogenic (PMID: 9635293). This suggests that this is a clinically significant region of the protein, and that variants that disrupt it are likely to be disease-causing. This variant has not been reported in the literature in individuals affected with FH-related conditions. This variant is not present in population databases (ExAC no frequency). This sequence change creates a premature translational stop signal (p.Gly437Glufs*12) in the FH gene. While this is not anticipated to result in nonsense mediated decay, it is expected to disrupt the last 74 amino acid(s) of the FH protein.

Literature cited by the submitters: PubMed 9635293 (cited by Labcorp Genetics (formerly Invitae), Labcorp).

NM_000143.4(FH):c.1310del (p.Gly437fs)

Gene: FH (fumarate hydratase; minus strand). Cytogenetic location: 1q43.
Variant type: Deletion.
Coding change: c.1310del on transcript NM_000143.4 (MANE Select); coding-DNA position 1310, one base deleted (G; older notation c.1310delG).
Protein change: p.Gly437fs; shifts the reading frame from glycine 437.
Molecular consequence: frameshift variant.
Genome position (GRCh38, 1-based): chr1:241,500,517, C deleted on the plus strand (G on the coding strand, the reverse complement: FH is on the minus strand); the first of 3 consecutive C bases (chr1:241,500,517-241,500,519); deleting any one gives the same sequence. VCF-style (leftmost placement, unchanged base first): chr1-241500516-TC-T. GRCh37 (hg19) VCF-style: chr1-241663816-TC-T.
Other names: c.1310del (NM_000143.3); short protein forms G437fs.
Identifiers: ClinVar variation 1399220 (VCV001399220.7), dbSNP rs2147913184, ClinGen allele CA2573132908.